The following is an entry in ClinVar:

NM_005157.6(ABL1):c.3053C>T (p.Pro1018Leu)

Gene: ABL1 (ABL proto-oncogene 1, non-receptor tyrosine kinase; plus strand). Cytogenetic location: 9q34.12.
Variant type: single nucleotide variant.
Coding change: c.3053C>T on transcript NM_005157.6 (MANE Select); coding-DNA position 3053, C replaced by T.
Protein change: p.Pro1018Leu; replaces proline 1018 with leucine.
Molecular consequence: missense variant.
Genome position (GRCh38, 1-based): chr9:130,885,343, C>T. VCF-style: chr9-130885343-C-T. GRCh37 (hg19) VCF-style: chr9-133760730-C-T.
Other names: c.3110C>T, p.Pro1037Leu (NM_007313.3); short protein forms P1018L, P1037L.
Identifiers: ClinVar variation 3366653 (VCV003366653.3).

ClinVar aggregate classification (germline): Conflicting classifications of pathogenicity. Review status: criteria provided, conflicting classifications (1 of 4 stars). 2 submissions from 2 submitters: Uncertain significance (1); Likely benign (1). Last evaluated 2025-01-18.

gnomAD v4.1: 7 of 1,613,684 alleles (0.00043%); highest among the groups gnomAD compares: African/African-American, 0.0053%; no homozygotes.

Submissions (2):

Labcorp Genetics (formerly Invitae), Labcorp
Classification: Likely benign. Last evaluated: 2025-01-18. Review status: criteria provided, single submitter. Criteria: Invitae Variant Classification Sherloc (09022015). Collection method: clinical testing. Allele origin: germline.

Women's Health and Genetics/Laboratory Corporation of America, LabCorp
Classification: Uncertain significance. Last evaluated: 2024-08-22. Review status: criteria provided, single submitter. Criteria: LabCorp Variant Classification Summary - May 2015. Collection method: clinical testing. Allele origin: germline.
Comment: Variant summary: ABL1 c.3053C>T (p.Pro1018Leu) results in a non-conservative amino acid change located in the F-actin binding domain (IPR015015) of the encoded protein sequence. Three of five in-silico tools predict a benign effect of the variant on protein function. The variant allele was found at a frequency of 2e-05 in 251066 control chromosomes (gnomAD). The available data on variant occurrences in the general population are insufficient to allow any conclusion about variant significance. To our knowledge, no occurrence of c.3053C>T in individuals affected with Congenital Heart Defects And Skeletal Malformations Syndrome and no experimental evidence demonstrating its impact on protein function have been reported. No submitters have cited clinical-significance assessments for this variant to ClinVar. Based on the evidence outlined above, the variant was classified as uncertain significance.